The following is an entry in ClinVar:

ClinVar aggregate classification (germline): Pathogenic (1 of 4 stars; one submission).

Conditions:
Ataxia-telangiectasia syndrome (AT). Also called: Ataxia-telangiectasia; LOUIS-BAR SYNDROME; Ataxia-telangiectasia, complementation group D; AT, COMPLEMENTATION GROUP C; ATAXIA-TELANGIECTASIA, COMPLEMENTATION GROUP A; ATAXIA-TELANGIECTASIA, FRESNO VARIANT. Identifiers: Orphanet 100, MedGen C0004135, MONDO:0008840, OMIM 208900.

Submission:

Labcorp Genetics (formerly Invitae), Labcorp
Classification: Pathogenic for Ataxia-telangiectasia syndrome. Last evaluated: 2024-05-14. Review status: criteria provided, single submitter. Criteria: Invitae Variant Classification Sherloc (09022015). Collection method: clinical testing. Allele origin: germline.
Comment: This sequence change creates a premature translational stop signal (p.Tyr2334*) in the ATM gene. It is expected to result in an absent or disrupted protein product. Loss-of-function variants in ATM are known to be pathogenic (PMID: 23807571, 25614872). This variant is not present in population databases (gnomAD no frequency). This variant has not been reported in the literature in individuals affected with ATM-related conditions. ClinVar contains an entry for this variant (Variation ID: 1432932). Algorithms developed to predict the effect of sequence changes on RNA splicing suggest that this variant may disrupt the consensus splice site. For these reasons, this variant has been classified as Pathogenic.

Literature cited by the submitters: PubMed 23807571; PubMed 25614872.

NM_000051.4(ATM):c.7002C>G (p.Tyr2334Ter)

Genes: ATM (ATM serine/threonine kinase; plus strand), C11orf65 (chromosome 11 open reading frame 65; minus strand). Cytogenetic location: 11q22.3.
Variant type: single nucleotide variant.
Coding change: c.7002C>G on transcript NM_000051.4 (MANE Select); coding-DNA position 7002, C replaced by G.
Protein change: p.Tyr2334Ter; replaces tyrosine 2334 with a stop codon.
Molecular consequence: nonsense. On other transcripts: intron variant (2).
Genome position (GRCh38, 1-based): chr11:108,327,671, C>G. VCF-style: chr11-108327671-C-G. GRCh37 (hg19) VCF-style: chr11-108198398-C-G.
Other names: c.7002C>G, p.Tyr2334Ter (NM_001351834.2); c.641-18600G>C (NM_001330368.2); c.*38+7549G>C (NM_001351110.2); short protein forms Y2334*.
Identifiers: ClinVar variation 1432932 (VCV001432932.6), dbSNP rs2136374351, ClinGen allele CA382558657.